The following is an entry in ClinVar:

NM_000440.3(PDE6A):c.277C>T (p.Arg93Cys)

Gene: PDE6A (phosphodiesterase 6A; minus strand). Cytogenetic location: 5q32.
Variant type: single nucleotide variant.
Coding change: c.277C>T on transcript NM_000440.3 (MANE Select); coding-DNA position 277, C replaced by T.
Protein change: p.Arg93Cys; replaces arginine 93 with cysteine.
Molecular consequence: missense variant.
Genome position (GRCh38, 1-based): chr5:149,944,397, G>A on the plus strand (C>T on the coding strand, the complement: PDE6A is on the minus strand). VCF-style: chr5-149944397-G-A. GRCh37 (hg19) VCF-style: chr5-149323960-G-A.
Other names: short protein forms R93C.
Identifiers: ClinVar variation 842163 (VCV000842163.7), dbSNP rs200297339, ClinGen allele CA3505096.

ClinVar aggregate classification (germline): Uncertain significance. Review status: criteria provided, multiple submitters, no conflicts (2 of 4 stars). 3 submissions from 3 submitters: Uncertain significance (3). Last evaluated 2025-04-03.

Conditions:
Inborn genetic diseases. Identifiers: MedGen C0950123, MeSH D030342.

Allele frequency attached by ClinVar (database versions not stated): gnomAD exomes 0.00003 and 0.00006; TOPMed 0.00009; ExAC 0.00010; gnomAD 0.00010; ESP Exome Variant Server 0.00015.

Submissions (3):

Ambry Genetics
Classification: Uncertain significance for Inborn genetic diseases. Last evaluated: 2025-04-03. Review status: criteria provided, single submitter. Criteria: Ambry Variant Classification Scheme 2023. Collection method: clinical testing. Allele origin: germline.

Blueprint Genetics
Classification: Uncertain significance. Last evaluated: 2024-05-02. Review status: criteria provided, single submitter. Criteria: ACMG Guidelines, 2015. Collection method: clinical testing. Allele origin: germline.

Labcorp Genetics (formerly Invitae), Labcorp
Classification: Uncertain significance. Last evaluated: 2022-07-06. Review status: criteria provided, single submitter. Criteria: Invitae Variant Classification Sherloc (09022015). Collection method: clinical testing. Allele origin: germline.
Comment: This sequence change replaces arginine, which is basic and polar, with cysteine, which is neutral and slightly polar, at codon 93 of the PDE6A protein (p.Arg93Cys). This variant is present in population databases (rs200297339, gnomAD 0.02%). This variant has not been reported in the literature in individuals affected with PDE6A-related conditions. ClinVar contains an entry for this variant (Variation ID: 842163). Algorithms developed to predict the effect of missense changes on protein structure and function are either unavailable or do not agree on the potential impact of this missense change (SIFT: "Deleterious"; PolyPhen-2: "Benign"; Align-GVGD: "Class C0"). In summary, the available evidence is currently insufficient to determine the role of this variant in disease. Therefore, it has been classified as a Variant of Uncertain Significance.